The following is an entry in ClinVar:

NM_001375524.1(TRRAP):c.10390G>T (p.Ala3464Ser)

Gene: TRRAP (transformation/transcription domain associated protein; plus strand). Cytogenetic location: 7q22.1.
Variant type: single nucleotide variant.
Coding change: c.10390G>T on transcript NM_001375524.1 (MANE Select); coding-DNA position 10390, G replaced by T.
Protein change: p.Ala3464Ser; replaces alanine 3464 with serine.
Molecular consequence: missense variant.
Genome position (GRCh38, 1-based): chr7:99,004,270, G>T. VCF-style: chr7-99004270-G-T. GRCh37 (hg19) VCF-style: chr7-98601893-G-T.
Other names: c.10348G>T, p.Ala3450Ser (NM_001244580.2); c.10261G>T, p.Ala3421Ser (NM_003496.4); short protein forms A3421S, A3450S, A3464S.
Identifiers: ClinVar variation 2504132 (VCV002504132.2), dbSNP rs2485055835, ClinGen allele CA368335489.

ClinVar aggregate classification (germline): Uncertain significance (1 of 4 stars; one submission).

Submission:

Centre of Medical Genetics, University Hospital Muenster
Classification: Uncertain significance. Last evaluated: 2023-03-30. Review status: criteria provided, single submitter. Criteria: ACMG Guidelines, 2015. Collection method: clinical testing. Allele origin: unknown. Affected: yes. Observed: 1 variant allele, 1 heterozygote.
Comment: ACMG categories: PM2